The following is an entry in ClinVar:

ClinVar aggregate classification (germline): Uncertain significance. Review status: criteria provided, multiple submitters, no conflicts (2 of 4 stars). 2 submissions from 2 submitters: Uncertain significance (2). Last evaluated 2025-10-29.

Conditions:
Developmental and epileptic encephalopathy, 62. Also called: Early infantile epileptic encephalopathy 62. Identifiers: MedGen C4693699, MONDO:0033371, OMIM 617938.

Allele frequency attached by ClinVar (database versions not stated): gnomAD exomes below 0.00001.
gnomAD v4.1: 1 of 1,613,952 alleles (0.000062%); highest among the groups gnomAD compares: Non-Finnish European, 0.000085%; no homozygotes.

Submissions (2):

Labcorp Genetics (formerly Invitae), Labcorp
Classification: Uncertain significance. Last evaluated: 2025-10-29. Review status: criteria provided, single submitter. Criteria: Invitae Variant Classification Sherloc (09022015). Collection method: clinical testing. Allele origin: germline.
Comment: This sequence change replaces isoleucine, which is neutral and non-polar, with threonine, which is neutral and polar, at codon 1601 of the SCN3A protein (p.Ile1601Thr). This variant is not present in population databases (gnomAD no frequency). This variant has not been reported in the literature in individuals affected with SCN3A-related conditions. ClinVar contains an entry for this variant (Variation ID: 2431412). Invitae Evidence Modeling of protein sequence and biophysical properties (such as structural, functional, and spatial information, amino acid conservation, physicochemical variation, residue mobility, and thermodynamic stability) has been performed for this missense variant. However, the output from this modeling did not meet the statistical confidence thresholds required to predict the impact of this variant on SCN3A protein function. In summary, the available evidence is currently insufficient to determine the role of this variant in disease. Therefore, it has been classified as a Variant of Uncertain Significance.

Laboratorio de Genetica e Diagnostico Molecular, Hospital Israelita Albert Einstein
Classification: Uncertain significance for Developmental and epileptic encephalopathy, 62. Last evaluated: 2022-10-11. Review status: criteria provided, single submitter. Criteria: ACMG Guidelines, 2015. Collection method: clinical testing. Allele origin: germline. Affected: yes. Observed: 1 variant allele.
Comment: ACMG classification criteria: PM2 moderated, PP2 supporting, PP3 supporting

NM_006922.4(SCN3A):c.4802T>C (p.Ile1601Thr)

Gene: SCN3A (sodium voltage-gated channel alpha subunit 3; minus strand). Cytogenetic location: 2q24.3.
Variant type: single nucleotide variant.
Coding change: c.4802T>C on transcript NM_006922.4 (MANE Select); coding-DNA position 4802, T replaced by C.
Protein change: p.Ile1601Thr; replaces isoleucine 1601 with threonine.
Molecular consequence: missense variant.
Genome position (GRCh38, 1-based): chr2:165,092,259, A>G on the plus strand (T>C on the coding strand, the complement: SCN3A is on the minus strand). VCF-style: chr2-165092259-A-G. GRCh37 (hg19) VCF-style: chr2-165948769-A-G.
Other names: c.4655T>C, p.Ile1552Thr (NM_001081676.2, NM_001081677.2); short protein forms I1552T, I1601T.
Identifiers: ClinVar variation 2431412 (VCV002431412.2), dbSNP rs2468046370, ClinGen allele CA349018686.